The following is an entry in ClinVar:

ClinVar aggregate classification (germline): Likely benign. Review status: criteria provided, multiple submitters, no conflicts (2 of 4 stars). 3 submissions from 3 submitters: Likely benign (2). 1 of the submissions does not count toward it. Last evaluated 2026-01-21.

Conditions:
ABCA3-related disorder. Also called: ABCA3-related condition.
Hereditary pulmonary alveolar proteinosis. Also called: Pulmonary surfactant metabolism dysfunction. Identifiers: Orphanet 264675, MedGen C3711368, MONDO:0012580.

Allele frequency attached by ClinVar (database versions not stated): gnomAD exomes 0.00012; ExAC 0.00014; 1000 Genomes Project 30x 0.00031; 1000 Genomes Project 0.00040; ESP Exome Variant Server 0.00054; gnomAD 0.00055.
gnomAD v4.1: 122 of 1,614,032 alleles (0.0076%); highest among the groups gnomAD compares: African/African-American, 0.16%; no homozygotes.

Submissions (3):

Labcorp Genetics (formerly Invitae), Labcorp
Classification: Likely benign. Last evaluated: 2026-01-21. Review status: criteria provided, single submitter. Criteria: Invitae Variant Classification Sherloc (09022015). Collection method: clinical testing. Allele origin: germline.

Ambry Genetics
Classification: Likely benign for Hereditary pulmonary alveolar proteinosis. Last evaluated: 2022-12-16. Review status: criteria provided, single submitter. Criteria: Ambry Variant Classification Scheme 2023. Collection method: clinical testing. Allele origin: germline.

PreventionGenetics, part of Exact Sciences
Classification: Likely benign for ABCA3-related condition. Last evaluated: 2019-05-14. Review status: no assertion criteria provided. Collection method: clinical testing. Allele origin: germline. Not counted in ClinVar's aggregate classification.
Comment: This variant is classified as likely benign based on ACMG/AMP sequence variant interpretation guidelines (Richards et al. 2015 PMID: 25741868, with internal and published modifications).

NM_001089.3(ABCA3):c.1029C>T (p.Pro343=)

Gene: ABCA3 (ATP binding cassette subfamily A member 3; minus strand). Cytogenetic location: 16p13.3.
Variant type: single nucleotide variant.
Coding change: c.1029C>T on transcript NM_001089.3 (MANE Select); coding-DNA position 1029, C replaced by T.
Protein change: p.Pro343=; no amino-acid change (proline 343 retained).
Molecular consequence: synonymous variant.
Genome position (GRCh38, 1-based): chr16:2,317,365, G>A on the plus strand (C>T on the coding strand, the complement: ABCA3 is on the minus strand). VCF-style: chr16-2317365-G-A. GRCh37 (hg19) VCF-style: chr16-2367366-G-A.
Other names: c.1029C>T (NM_001089.2).
Identifiers: ClinVar variation 1592025 (VCV001592025.11), dbSNP rs34096526, ClinGen allele CA7841398.